The following is an entry in ClinVar:

ClinVar aggregate classification (germline): Uncertain significance. Review status: criteria provided, multiple submitters, no conflicts (2 of 4 stars). 3 submissions from 3 submitters: Uncertain significance (3). Last evaluated 2023-09-27.

Conditions:
Hereditary cancer-predisposing syndrome. Also called: Hereditary neoplastic syndrome; Tumor predisposition; Hereditary Cancer Syndrome; Neoplastic Syndromes, Hereditary. Identifiers: Orphanet 140162, MedGen C0027672, MeSH D009386, MONDO:0015356.
Gorlin syndrome. Also called: Basal cell nevus syndrome; Nevoid Basal Cell Carcinoma Syndrome. Identifiers: Orphanet 377, MedGen C0004779, MONDO:0007187.
Medulloblastoma (MDB). Also called: MEDULLOBLASTOMA PREDISPOSITION SYNDROME; Medulloblastoma, somatic. Identifiers: Orphanet 616, MedGen C0025149, MeSH D008527, MONDO:0007959, OMIM 155255, HP:0002885.

Allele frequency attached by ClinVar (database versions not stated): gnomAD 0.00001.

Submissions (3):

Labcorp Genetics (formerly Invitae), Labcorp
Classification: Uncertain significance for Gorlin syndrome; Medulloblastoma. Last evaluated: 2023-09-27. Review status: criteria provided, single submitter. Criteria: Invitae Variant Classification Sherloc (09022015). Collection method: clinical testing. Allele origin: germline.
Comment: In summary, the available evidence is currently insufficient to determine the role of this variant in disease. Therefore, it has been classified as a Variant of Uncertain Significance. Advanced modeling of protein sequence and biophysical properties (such as structural, functional, and spatial information, amino acid conservation, physicochemical variation, residue mobility, and thermodynamic stability) performed at Invitae indicates that this missense variant is not expected to disrupt SUFU protein function. ClinVar contains an entry for this variant (Variation ID: 576807). This variant has not been reported in the literature in individuals affected with SUFU-related conditions. This variant is not present in population databases (gnomAD no frequency). This sequence change replaces asparagine, which is neutral and polar, with aspartic acid, which is acidic and polar, at codon 102 of the SUFU protein (p.Asn102Asp).

Ambry Genetics
Classification: Uncertain significance for Hereditary cancer-predisposing syndrome. Last evaluated: 2023-09-04. Review status: criteria provided, single submitter. Criteria: Ambry Variant Classification Scheme 2023. Collection method: clinical testing. Allele origin: germline.
Comment: The p.N102D variant (also known as c.304A>G), located in coding exon 2 of the SUFU gene, results from an A to G substitution at nucleotide position 304. The asparagine at codon 102 is replaced by aspartic acid, an amino acid with highly similar properties. This amino acid position is conserved. In addition, this alteration is predicted to be tolerated by in silico analysis. Since supporting evidence is limited at this time, the clinical significance of this alteration remains unclear.

Quest Diagnostics Nichols Institute San Juan Capistrano
Classification: Uncertain significance. Last evaluated: 2022-11-04. Review status: criteria provided, single submitter. Criteria: Quest Diagnostics criteria. Collection method: clinical testing. Allele origin: unknown.
Comment: The variant has not been reported in the published literature. It also has not been reported in large, multi-ethnic general populations. Analysis of this variant using a bioinformatics tool for the prediction of the effect of amino acid changes on protein structure and function yielded a prediction that this variant is benign. Based on the available information, we are unable to determine the clinical significance of this variant.

NM_016169.4(SUFU):c.304A>G (p.Asn102Asp)

Gene: SUFU (SUFU negative regulator of hedgehog signaling; plus strand). Cytogenetic location: 10q24.32.
Variant type: single nucleotide variant.
Coding change: c.304A>G on transcript NM_016169.4 (MANE Select); coding-DNA position 304, A replaced by G.
Protein change: p.Asn102Asp; replaces asparagine 102 with aspartic acid.
Molecular consequence: missense variant.
Genome position (GRCh38, 1-based): chr10:102,509,290, A>G. VCF-style: chr10-102509290-A-G. GRCh37 (hg19) VCF-style: chr10-104269047-A-G.
Other names: c.304A>G, p.Asn102Asp (NM_001178133.2); short protein forms N102D.
Identifiers: ClinVar variation 576807 (VCV000576807.14), dbSNP rs1564657066, ClinGen allele CA377889187.